The following is an entry in ClinVar:

ClinVar aggregate classification (germline): Uncertain significance (1 of 4 stars; one submission).

Conditions:
Intellectual developmental disorder, autosomal dominant 43. Also called: Intellectual disability, autosomal dominant 43. Identifiers: MedGen C4707429, MONDO:0014858, OMIM 616977.

Submission:

Laboratorio de Genetica e Diagnostico Molecular, Hospital Israelita Albert Einstein
Classification: Uncertain significance for Intellectual developmental disorder, autosomal dominant 43. Last evaluated: 2024-07-14. Review status: criteria provided, single submitter. Criteria: ACMG Guidelines, 2015. Collection method: clinical testing. Allele origin: germline. Affected: yes.
Comment: ACMG classification criteria: PM2 supporting, PP2 supporting, BP4 supporting

NM_006734.4(HIVEP2):c.4747C>G (p.Gln1583Glu)

Gene: HIVEP2 (HIVEP zinc finger 2; minus strand). Cytogenetic location: 6q24.2.
Variant type: single nucleotide variant.
Coding change: c.4747C>G on transcript NM_006734.4 (MANE Select); coding-DNA position 4747, C replaced by G.
Protein change: p.Gln1583Glu; replaces glutamine 1583 with glutamic acid.
Molecular consequence: missense variant.
Genome position (GRCh38, 1-based): chr6:142,769,992, G>C on the plus strand (C>G on the coding strand, the complement: HIVEP2 is on the minus strand). VCF-style: chr6-142769992-G-C. GRCh37 (hg19) VCF-style: chr6-143091129-G-C.
Other names: short protein forms Q1583E.
Identifiers: ClinVar variation 4056669 (VCV004056669.1).
Genomic context (GRCh38, chr6:142,769,992, plus strand): 5'-GCTTGTGGCCCTTCCCTTCCTCTTCCAGCTGACCATCTCCTGCTGGTAATGAAGAACTCT[G>C]TGGGCTCATGCTCATGTCCGATGCCGTCTCATCGATATCTAATTCATCTGAAGATTCTTT-3'
Protein context (NP_006725.3, residues 1573-1593): ETASDMSMSP[Gln1583Glu]SSSLPAGDGQ